The following is an entry in ClinVar:

ClinVar aggregate classification (germline): Conflicting classifications of pathogenicity. Review status: criteria provided, conflicting classifications (1 of 4 stars). 3 submissions from 3 submitters: Uncertain significance (1); Benign (2). Last evaluated 2024-07-22.

Conditions:
Inborn genetic diseases. Identifiers: MedGen C0950123, MeSH D030342.
Nance-Horan syndrome (NHS). Identifiers: Orphanet 627, MedGen C0796085, MONDO:0010545, OMIM 302350.

Allele frequency attached by ClinVar (database versions not stated): TOPMed 0.00007; gnomAD 0.00009 and 0.00010; ExAC 0.00015; gnomAD exomes 0.00020; 1000 Genomes Project 30x 0.00021; 1000 Genomes Project 0.00026.
gnomAD v4.1: 141 of 1,208,245 alleles (0.012%); highest among the groups gnomAD compares: South Asian, 0.13%; no homozygotes.

Submissions (3):

Labcorp Genetics (formerly Invitae), Labcorp
Classification: Benign for Nance-Horan syndrome. Last evaluated: 2024-07-22. Review status: criteria provided, single submitter. Criteria: Invitae Variant Classification Sherloc (09022015). Collection method: clinical testing. Allele origin: germline.

Genetic Services Laboratory, University of Chicago
Classification: Benign. Last evaluated: 2017-08-04. Review status: criteria provided, single submitter. Criteria: ACMG Guidelines, 2015. Collection method: clinical testing. Allele origin: germline. Affected: no.

Ambry Genetics
Classification: Uncertain significance for Inborn genetic diseases. Last evaluated: 2014-11-16. Review status: criteria provided, single submitter. Criteria: Ambry Variant Classification Scheme 2023. Collection method: clinical testing. Allele origin: germline.
Comment: The p.L256V variant (also known as c.766C>G), located in coding exon 3 of the NHS gene, results from a C to G substitution at nucleotide position 766. The leucine at codon 256 is replaced by valine, an amino acid with highly similar properties. This variant was previously reported in the SNPDatabase as rs200598087. This amino acid position is not conserved on species alignment. In addition, this alteration is predicted to be tolerated by in silico analysis. Since supporting evidence is limited at this time, the clinical significance of this variant remains unclear.

NM_001291867.2(NHS):c.766C>G (p.Leu256Val)

Gene: NHS (NHS actin remodeling regulator; plus strand). Cytogenetic location: Xp22.13.
Variant type: single nucleotide variant.
Coding change: c.766C>G on transcript NM_001291867.2 (MANE Select); coding-DNA position 766, C replaced by G.
Protein change: p.Leu256Val; replaces leucine 256 with valine.
Molecular consequence: missense variant.
Genome position (GRCh38, 1-based): chrX:17,692,382, C>G. VCF-style: chrX-17692382-C-G. GRCh37 (hg19) VCF-style: chrX-17710502-C-G.
Other names: c.235C>G, p.Leu79Val (NM_001136024.4, NM_001291868.2); c.766C>G, p.Leu256Val (NM_198270.4); short protein forms L256V, L79V.
Identifiers: ClinVar variation 129778 (VCV000129778.13), dbSNP rs200598087, ClinGen allele CA231333.
Genomic context (GRCh38, chrX:17,692,382, plus strand): 5'-TTCTCCTTCTCAGAACACCGGAGCCGGAGCGATCGCCGAGAGCAAAGAGCAGCTGCCCCC[C>G]TTTCCATTGCAGCTCCTCCACTGCCAGCCTACCCTCCAGCTCACAGCCAGAGGAGGCGTG-3'
Protein context (NP_001278796.1, residues 246-266): DRREQRAAAP[Leu256Val]SIAAPPLPAY